The following is an entry in ClinVar:

ClinVar aggregate classification (germline): Likely benign. Review status: criteria provided, multiple submitters, no conflicts (2 of 4 stars). 2 submissions from 2 submitters: Likely benign (2). Last evaluated 2026-08-01.

Conditions:
TULP3-related condition.

gnomAD v4.1: 5,146 of 1,614,200 alleles (0.32%); highest among the groups gnomAD compares: Non-Finnish European, 0.4%; 14 homozygotes.

Submissions (2):

CeGaT Center for Human Genetics Tuebingen
Classification: Likely benign. Last evaluated: 2026-08-01. Review status: criteria provided, single submitter. Criteria: CeGaT Center For Human Genetics Tuebingen Variant Classification Criteria Version 2. Collection method: clinical testing. Allele origin: germline. Affected: yes. Observed: 4 variant alleles.
Comment: TULP3: BS2

PreventionGenetics, part of Exact Sciences
Classification: Likely benign for TULP3-related condition. Last evaluated: 2026-02-10. Review status: criteria provided, single submitter. Criteria: ACMG Guidelines, 2015. Collection method: clinical testing. Allele origin: germline.
Comment: This variant is classified as likely benign based on ACMG/AMP sequence variant interpretation guidelines (Richards et al. 2015 PMID: 25741868, with internal and published modifications).

NM_003324.5(TULP3):c.1109G>C (p.Ser370Thr)

Gene: TULP3 (TUB like protein 3; plus strand). Cytogenetic location: 12p13.33.
Variant type: single nucleotide variant.
Coding change: c.1109G>C on transcript NM_003324.5 (MANE Select); coding-DNA position 1109, G replaced by C.
Protein change: p.Ser370Thr; replaces serine 370 with threonine.
Molecular consequence: missense variant.
Genome position (GRCh38, 1-based): chr12:2,938,199, G>C. VCF-style: chr12-2938199-G-C. GRCh37 (hg19) VCF-style: chr12-3047365-G-C.
Other names: c.1109G>C, p.Ser370Thr (NM_001160408.2); c.1109G>C (NM_001160408.1); short protein forms S370T.
Identifiers: ClinVar variation 3387919 (VCV003387919.15).